The following is an entry in ClinVar:

NM_001134363.3(RBM20):c.880A>G (p.Ser294Gly)

Gene: RBM20 (RNA binding motif protein 20; plus strand). Cytogenetic location: 10q25.2.
Variant type: single nucleotide variant.
Coding change: c.880A>G on transcript NM_001134363.3 (MANE Select); coding-DNA position 880, A replaced by G.
Protein change: p.Ser294Gly; replaces serine 294 with glycine.
Molecular consequence: missense variant.
Genome position (GRCh38, 1-based): chr10:110,781,489, A>G. VCF-style: chr10-110781489-A-G. GRCh37 (hg19) VCF-style: chr10-112541247-A-G.
Other names: short protein forms S294G.
Identifiers: ClinVar variation 1448629 (VCV001448629.5), dbSNP rs1844347006, ClinGen allele CA378384166.

ClinVar aggregate classification (germline): Uncertain significance (1 of 4 stars; one submission).

Conditions:
Dilated cardiomyopathy 1DD (CMD1DD). Identifiers: Orphanet 154, MedGen C2750995, MONDO:0013168, OMIM 613172.

Allele frequency attached by ClinVar (database versions not stated): gnomAD exomes below 0.00001.
gnomAD v4.1: 1 of 1,551,600 alleles (0.000064%); highest among the groups gnomAD compares: South Asian, 0.0012%; no homozygotes.

Submission:

Labcorp Genetics (formerly Invitae), Labcorp
Classification: Uncertain significance for Dilated cardiomyopathy 1DD. Last evaluated: 2021-11-09. Review status: criteria provided, single submitter. Criteria: Invitae Variant Classification Sherloc (09022015). Collection method: clinical testing. Allele origin: germline.
Comment: In summary, the available evidence is currently insufficient to determine the role of this variant in disease. Therefore, it has been classified as a Variant of Uncertain Significance. Advanced modeling of protein sequence and biophysical properties (such as structural, functional, and spatial information, amino acid conservation, physicochemical variation, residue mobility, and thermodynamic stability) performed at Invitae indicates that this missense variant is not expected to disrupt RBM20 protein function. This variant has not been reported in the literature in individuals affected with RBM20-related conditions. This variant is not present in population databases (gnomAD no frequency). This sequence change replaces serine, which is neutral and polar, with glycine, which is neutral and non-polar, at codon 294 of the RBM20 protein (p.Ser294Gly).